The following is an entry in ClinVar:

ClinVar aggregate classification (germline): Benign (0 of 4 stars; one submission).

Conditions:
NAV2-related disorder. Also called: NAV2-related condition.

Allele frequency attached by ClinVar (database versions not stated): 1000 Genomes Project 0.00479; 1000 Genomes Project 30x 0.00531; TOPMed 0.00877; ESP Exome Variant Server 0.00893; gnomAD 0.00956; ExAC 0.01089; gnomAD exomes 0.01173.
gnomAD v4.1: 18,582 of 1,614,156 alleles (1.2%); highest among the groups gnomAD compares: Non-Finnish European, 1.3%; 128 homozygotes.

Submission:

PreventionGenetics, part of Exact Sciences
Classification: Benign for NAV2-related condition. Last evaluated: 2019-11-05. Review status: no assertion criteria provided. Collection method: clinical testing. Allele origin: germline.
Comment: This variant is classified as benign based on ACMG/AMP sequence variant interpretation guidelines (Richards et al. 2015 PMID: 25741868, with internal and published modifications).

NM_145117.5(NAV2):c.1532C>T (p.Thr511Met)

Gene: NAV2 (neuron navigator 2; plus strand). Cytogenetic location: 11p15.1.
Variant type: single nucleotide variant.
Coding change: c.1532C>T on transcript NM_145117.5 (MANE Select); coding-DNA position 1532, C replaced by T.
Protein change: p.Thr511Met; replaces threonine 511 with methionine.
Molecular consequence: missense variant.
Genome position (GRCh38, 1-based): chr11:19,933,776, C>T. VCF-style: chr11-19933776-C-T. GRCh37 (hg19) VCF-style: chr11-19955322-C-T.
Other names: c.1340C>T, p.Thr447Met (NM_001111018.2); c.1601C>T, p.Thr534Met (NM_001244963.2); c.1532C>T, p.Thr511Met (NM_182964.6); short protein forms T447M, T511M, T534M.
Identifiers: ClinVar variation 3037451 (VCV003037451.2), dbSNP rs147604281, ClinGen allele CA5917902.